The following is an entry in ClinVar:

NM_001079802.2(FKTN):c.34C>G (p.Leu12Val)

Gene: FKTN (fukutin; plus strand). Cytogenetic location: 9q31.2.
Variant type: single nucleotide variant.
Coding change: c.34C>G on transcript NM_001079802.2 (MANE Select); coding-DNA position 34, C replaced by G.
Protein change: p.Leu12Val; replaces leucine 12 with valine.
Molecular consequence: missense variant. On other transcripts: 5 prime UTR variant (5), non-coding transcript variant (2).
Genome position (GRCh38, 1-based): chr9:105,575,066, C>G. VCF-style: chr9-105575066-C-G. GRCh37 (hg19) VCF-style: chr9-108337347-C-G.
Other names: p.Leu12Val; c.34C>G, p.Leu12Val (NM_001198963.2, NM_001351496.2, NM_001351498.2 and 1 more transcripts); c.-134C>G (NM_001351497.2); c.-481C>G (NM_001351499.2, NM_001351500.2, NM_001351501.2 and 1 more transcripts); short protein forms L12V.
Identifiers: ClinVar variation 528829 (VCV000528829.12), dbSNP rs939985733, ClinGen allele CA197413048.

ClinVar aggregate classification (germline): Uncertain significance. Review status: criteria provided, multiple submitters, no conflicts (2 of 4 stars). 4 submissions from 4 submitters: Uncertain significance (3). 1 of the submissions does not count toward it. Last evaluated 2024-03-15.

Conditions:
Walker-Warburg congenital muscular dystrophy. Also called: Muscular dystrophy-dystroglycanopathy, type A; Walker-Warburg syndrome. Identifiers: Orphanet 899, MedGen C0265221, MONDO:0000171.

Allele frequency attached by ClinVar (database versions not stated): gnomAD 0.00001; TOPMed 0.00001.
gnomAD v4.1: 1 of 1,611,328 alleles (0.000062%); highest among the groups gnomAD compares: Admixed American, 0.0017%; no homozygotes.

Submissions (4):

Mayo Clinic Laboratories, Mayo Clinic
Classification: Uncertain significance. Last evaluated: 2024-03-15. Review status: criteria provided, single submitter. Criteria: ACMG Guidelines, 2015. Collection method: clinical testing. Allele origin: germline. Observed: 1 variant allele.
Comment: BP4

Blueprint Genetics
Classification: Uncertain significance. Last evaluated: 2022-04-08. Review status: criteria provided, single submitter. Criteria: ACMG Guidelines, 2015. Collection method: clinical testing. Allele origin: germline.

Labcorp Genetics (formerly Invitae), Labcorp
Classification: Uncertain significance for Walker-Warburg congenital muscular dystrophy. Last evaluated: 2022-02-03. Review status: criteria provided, single submitter. Criteria: Invitae Variant Classification Sherloc (09022015). Collection method: clinical testing. Allele origin: germline.
Comment: This sequence change replaces leucine, which is neutral and non-polar, with valine, which is neutral and non-polar, at codon 12 of the FKTN protein (p.Leu12Val). This variant is not present in population databases (gnomAD no frequency). This variant has not been reported in the literature in individuals affected with FKTN-related conditions. ClinVar contains an entry for this variant (Variation ID: 528829). Algorithms developed to predict the effect of missense changes on protein structure and function output the following: SIFT: "Tolerated"; PolyPhen-2: "Benign"; Align-GVGD: "Class C0". The valine amino acid residue is found in multiple mammalian species, which suggests that this missense change does not adversely affect protein function. In summary, the available evidence is currently insufficient to determine the role of this variant in disease. Therefore, it has been classified as a Variant of Uncertain Significance.

Natera, Inc.
Classification: Uncertain significance for Walker-Warburg congenital muscular dystrophy. Last evaluated: 2021-06-21. Review status: no assertion criteria provided. Collection method: clinical testing. Allele origin: germline. Not counted in ClinVar's aggregate classification.